The following is an entry in ClinVar:

ClinVar aggregate classification (germline): Uncertain significance (1 of 4 stars; one submission).

Submission:

GeneDx
Classification: Uncertain significance. Last evaluated: 2024-12-23. Review status: criteria provided, single submitter. Criteria: GeneDx Variant Classification Process June 2021. Collection method: clinical testing. Allele origin: germline. Affected: yes.
Comment: Not observed at significant frequency in large population cohorts (gnomAD); In silico analysis supports that this missense variant has a deleterious effect on protein structure/function; Has not been previously published as pathogenic or benign to our knowledge

NM_001190737.2(NFIB):c.40C>T (p.His14Tyr)

Gene: NFIB (nuclear factor I B; minus strand). Cytogenetic location: 9p22.3.
Variant type: single nucleotide variant.
Coding change: c.40C>T on transcript NM_001190737.2 (MANE Select); coding-DNA position 40, C replaced by T.
Protein change: p.His14Tyr; replaces histidine 14 with tyrosine.
Molecular consequence: missense variant. On other transcripts: 5 prime UTR variant (1).
Genome position (GRCh38, 1-based): chr9:14,307,511, G>A on the plus strand (C>T on the coding strand, the complement: NFIB is on the minus strand). VCF-style: chr9-14307511-G-A. GRCh37 (hg19) VCF-style: chr9-14307510-G-A.
Other names: c.118C>T, p.His40Tyr (NM_001190738.2); c.106C>T, p.His36Tyr (NM_001369458.1, NM_001369459.1, NM_001369462.1 and 1 more transcripts); c.28C>T, p.His10Tyr (NM_001369460.1, NM_001369463.1, NM_001369466.1 and 4 more transcripts); c.40C>T, p.His14Tyr (NM_001369461.1, NM_001369464.1, NM_001369471.1 and 5 more transcripts); c.13C>T, p.His5Tyr (NM_001369465.1, NM_001369467.1, NM_001369476.1); c.-105C>T (NM_001369469.1); c.25C>T, p.His9Tyr (NM_001369474.1); short protein forms H10Y, H14Y, H36Y, H40Y, H5Y, H9Y.
Identifiers: ClinVar variation 3373028 (VCV003373028.2).
Genomic context (GRCh38, chr9:14,307,511, plus strand): 5'-GGTTGAACCAAGTATAGGCAATTGCACGGACATGTGGAAGAAGTGCCTCGATGAATGGGT[G>A]AAATTCATCCTGTGGAAGACAGAGGGGTGAGGAAAAGATGTGCATAGTCAGTTTAATTTT-3'
Protein context (NP_001177666.1, residues 4-24): SPICLTQDEF[His14Tyr]PFIEALLPHV